The following is an entry in ClinVar:

NM_005732.4(RAD50):c.3789G>C (p.Gln1263His)

Genes: TH2LCRR (T helper type 2 locus control region associated RNA; minus strand), RAD50 (RAD50 double strand break repair protein; plus strand). Cytogenetic location: 5q31.1.
Variant type: single nucleotide variant.
Coding change: c.3789G>C on transcript NM_005732.4 (MANE Select); coding-DNA position 3789, G replaced by C.
Protein change: p.Gln1263His; replaces glutamine 1263 with histidine.
Molecular consequence: missense variant. On other transcripts: non-coding transcript variant (1).
Genome position (GRCh38, 1-based): chr5:132,642,214, G>C. VCF-style: chr5-132642214-G-C. GRCh37 (hg19) VCF-style: chr5-131977906-G-C.
Other names: p.Q1263H:CAG>CAC; short protein forms Q1263H.
Identifiers: ClinVar variation 128022 (VCV000128022.17), dbSNP rs115706334, ClinGen allele CA288213.

ClinVar aggregate classification (germline): Uncertain significance. Review status: criteria provided, multiple submitters, no conflicts (2 of 4 stars). 4 submissions from 4 submitters: Uncertain significance (4). Last evaluated 2025-12-13.

Conditions:
Hereditary cancer-predisposing syndrome. Also called: Hereditary neoplastic syndrome; Neoplastic Syndromes, Hereditary; Hereditary Cancer Syndrome; Tumor predisposition. Identifiers: Orphanet 140162, MedGen C0027672, MeSH D009386, MONDO:0015356.
Nijmegen breakage syndrome-like disorder (NBSLD). Also called: MICROCEPHALY AND SPONTANEOUS CHROMOSOME INSTABILITY WITHOUT IMMUNODEFICIENCY; NBS-LIKE DISORDER; RAD50 DEFICIENCY. Identifiers: Orphanet 240760, MedGen C2751318, MONDO:0013118, OMIM 613078.

Allele frequency attached by ClinVar (database versions not stated): gnomAD 0.00002 and 0.00003; ExAC 0.00003; gnomAD exomes 0.00004; TOPMed 0.00004; ESP Exome Variant Server 0.00008; 1000 Genomes Project 0.00020; 1000 Genomes Project 30x 0.00031.
gnomAD v4.1: 107 of 1,614,198 alleles (0.0066%); highest among the groups gnomAD compares: Non-Finnish European, 0.0087%; no homozygotes.

Submissions (4):

Ambry Genetics
Classification: Uncertain significance for Hereditary cancer-predisposing syndrome. Last evaluated: 2025-12-13. Review status: criteria provided, single submitter. Criteria: Ambry Variant Classification Scheme 2023. Collection method: clinical testing. Allele origin: germline.
Comment: The p.Q1263H variant (also known as c.3789G>C), located in coding exon 25 of the RAD50 gene, results from a G to C substitution at nucleotide position 3789. The glutamine at codon 1263 is replaced by histidine, an amino acid with highly similar properties. This amino acid position is highly conserved in available vertebrate species. In addition, this alteration is predicted to be deleterious by in silico analysis. Since supporting evidence is limited at this time, the clinical significance of this alteration remains unclear.

Labcorp Genetics (formerly Invitae), Labcorp
Classification: Uncertain significance for Hereditary cancer-predisposing syndrome. Last evaluated: 2025-08-07. Review status: criteria provided, single submitter. Criteria: Invitae Variant Classification Sherloc (09022015). Collection method: clinical testing. Allele origin: germline.
Comment: This sequence change replaces glutamine, which is neutral and polar, with histidine, which is basic and polar, at codon 1263 of the RAD50 protein (p.Gln1263His). This variant is present in population databases (rs115706334, gnomAD 0.007%). This missense change has been observed in individual(s) with prostate cancer (PMID: 24556621). ClinVar contains an entry for this variant (Variation ID: 128022). Invitae Evidence Modeling of protein sequence and biophysical properties (such as structural, functional, and spatial information, amino acid conservation, physicochemical variation, residue mobility, and thermodynamic stability) indicates that this missense variant is expected to disrupt RAD50 protein function with a positive predictive value of 80%. In summary, the available evidence is currently insufficient to determine the role of this variant in disease. Therefore, it has been classified as a Variant of Uncertain Significance.

Baylor Genetics
Classification: Uncertain significance for Nijmegen breakage syndrome-like disorder. Last evaluated: 2023-12-29. Review status: criteria provided, single submitter. Criteria: ACMG Guidelines, 2015. Collection method: clinical testing. Allele origin: unknown.

GeneDx
Classification: Uncertain significance. Last evaluated: 2014-02-17. Review status: criteria provided, single submitter. Criteria: GeneDx Variant Classification (06012015). Collection method: clinical testing. Allele origin: germline. Affected: yes.
Comment: RAD50 has been only recently described in association with cancer predisposition and the risks are not well understood. This variant is denoted RAD50 c.3789G>C at the cDNA level, p.Gln1263His (Q1263H) at the protein level, and results in the change of a Glutamine to a Histidine (CAG>CAC). RAD50 Gln1263His was not observed at a significant allele frequency in the NHLBI Exome Sequencing Project or 1000 Genomes. This variant is a semi-conservative substitution in which a neutral polar amino acid is replaced with a positive polar one, altering a position that is fully conserved throughout evolution and is not located in a known functional domain. Multiple in silico algorithms predict that this variant may be damaging to protein structure and function. At a molecular level, the impact of this missense variant on protein structure and function is not known and thus we consider this to be a variant of uncertain significance. Furthermore, based on the currently available information, cancer risks associated with this variant, and the RAD50 gene, remain unclear.

Literature cited by the submitters: PubMed 24556621 (cited by Ambry Genetics and Labcorp Genetics (formerly Invitae), Labcorp).